The following is an entry in ClinVar:

ClinVar aggregate classification (germline): Uncertain significance (1 of 4 stars; one submission).

Submission:

Labcorp Genetics (formerly Invitae), Labcorp
Classification: Uncertain significance. Last evaluated: 2023-10-19. Review status: criteria provided, single submitter. Criteria: Invitae Variant Classification Sherloc (09022015). Collection method: clinical testing. Allele origin: germline.
Comment: This sequence change replaces leucine, which is neutral and non-polar, with phenylalanine, which is neutral and non-polar, at codon 85 of the ARHGEF10 protein (p.Leu85Phe). This variant is not present in population databases (gnomAD no frequency). This variant has not been reported in the literature in individuals affected with ARHGEF10-related conditions. An algorithm developed to predict the effect of missense changes on protein structure and function (PolyPhen-2) suggests that this variant is likely to be tolerated. In summary, the available evidence is currently insufficient to determine the role of this variant in disease. Therefore, it has been classified as a Variant of Uncertain Significance.

NM_014629.4(ARHGEF10):c.253C>T (p.Leu85Phe)

Gene: ARHGEF10 (Rho guanine nucleotide exchange factor 10; plus strand). Cytogenetic location: 8p23.3.
Variant type: single nucleotide variant.
Coding change: c.253C>T on transcript NM_014629.4 (MANE Select); coding-DNA position 253, C replaced by T.
Protein change: p.Leu85Phe; replaces leucine 85 with phenylalanine.
Molecular consequence: missense variant.
Genome position (GRCh38, 1-based): chr8:1,859,956, C>T. VCF-style: chr8-1859956-C-T. GRCh37 (hg19) VCF-style: chr8-1808122-C-T.
Other names: c.253C>T, p.Leu85Phe (NM_001308152.2, NM_001308153.3); short protein forms L85F, L109F.
Identifiers: ClinVar variation 2770147 (VCV002770147.3), dbSNP rs1805956754, ClinGen allele CA369955561.